The following is an entry in ClinVar:

NM_000059.4(BRCA2):c.9735A>G (p.Ser3245=)

Gene: BRCA2 (BRCA2 DNA repair associated; plus strand). Cytogenetic location: 13q13.1.
Variant type: single nucleotide variant.
Coding change: c.9735A>G on transcript NM_000059.4 (MANE Select); coding-DNA position 9735, A replaced by G.
Protein change: p.Ser3245=; no amino-acid change (serine 3245 retained).
Molecular consequence: synonymous variant.
Genome position (GRCh38, 1-based): chr13:32,398,248, A>G. VCF-style: chr13-32398248-A-G. GRCh37 (hg19) VCF-style: chr13-32972385-A-G.
Identifiers: ClinVar variation 427513 (VCV000427513.27), dbSNP rs773112850, ClinGen allele CA6941443.

ClinVar aggregate classification (germline): Likely benign. Review status: reviewed by expert panel (3 of 4 stars). 7 submissions from 7 submitters: Likely benign (1). 6 of the submissions do not count toward it. Last evaluated 2017-06-29.

Conditions:
Hereditary cancer-predisposing syndrome. Also called: Hereditary neoplastic syndrome; Hereditary Cancer Syndrome; Neoplastic Syndromes, Hereditary; Tumor predisposition. Identifiers: Orphanet 140162, MedGen C0027672, MeSH D009386, MONDO:0015356.
Breast-ovarian cancer, familial, susceptibility to, 2 (BROVCA2). Also called: BRCA2 Hereditary Breast and Ovarian Cancer. Identifiers: Orphanet 145, MedGen C2675520, MONDO:0012933, OMIM 612555. Disease mechanism: loss of function.
Hereditary breast ovarian cancer syndrome. Also called: Hereditary breast and ovarian cancer syndrome; BRCA1- and BRCA2-Associated Hereditary Breast and Ovarian Cancer; Hereditary breast and/or ovarian cancer syndrome; Hereditary breast and ovarian cancer; Breast and ovarian cancer; Hereditary breast and ovarian cancer syndrome (HBOC). Identifiers: Orphanet 145, MedGen C0677776, MeSH D061325, MONDO:0003582. Disease mechanism: loss of function.

Allele frequency attached by ClinVar (database versions not stated): gnomAD exomes 0.00001; TOPMed 0.00001; ExAC 0.00002.
gnomAD v4.1: 5 of 1,614,124 alleles (0.00031%); highest among the groups gnomAD compares: Non-Finnish European, 0.00042%; no homozygotes.

Submissions (7):

Evidence-based Network for the Interpretation of Germline Mutant Alleles (ENIGMA)
Classification: Likely benign for Breast-ovarian cancer, familial, susceptibility to, 2. Last evaluated: 2017-06-29. Review status: reviewed by expert panel. Criteria: ENIGMA BRCA1/2 Classification Criteria (2017-06-29). Collection method: curation. Allele origin: germline.
Comment: Synonymous substitution variant, with low bioinformatic likelihood to result in a splicing aberration (Splicing prior probability 0.02).

Center for Genomic Medicine, Rigshospitalet, Copenhagen University Hospital
Classification: Likely benign. Last evaluated: 2025-03-04. Review status: criteria provided, single submitter. Criteria: ACMG Guidelines, 2015. Collection method: clinical testing. Allele origin: germline. Not counted in ClinVar's aggregate classification.

Labcorp Genetics (formerly Invitae), Labcorp
Classification: Likely benign for Hereditary breast ovarian cancer syndrome. Last evaluated: 2024-05-29. Review status: criteria provided, single submitter. Criteria: Invitae Variant Classification Sherloc (09022015). Collection method: clinical testing. Allele origin: germline. Not counted in ClinVar's aggregate classification.

Women's Health and Genetics/Laboratory Corporation of America, LabCorp
Classification: Likely benign. Last evaluated: 2024-01-19. Review status: criteria provided, single submitter. Criteria: LabCorp Variant Classification Summary - May 2015. Collection method: clinical testing. Allele origin: germline. Not counted in ClinVar's aggregate classification.

All of Us Research Program, National Institutes of Health
Classification: Likely benign for Breast-ovarian cancer, familial, susceptibility to, 2. Last evaluated: 2023-09-17. Review status: criteria provided, single submitter. Criteria: ACMG Guidelines, 2015. Collection method: clinical testing. Allele origin: germline. Inheritance: Autosomal dominant inheritance. Observed: 1 variant allele, 1 heterozygote. Not counted in ClinVar's aggregate classification.
Comment: This study involves interpretation of variants in research participants for the purpose of population health screening. Participant phenotype was not available at the time of variant classification. Additional details can be found in publication PMID: 35346344, PMCID: PMC8962531

Ambry Genetics
Classification: Likely benign for Hereditary cancer-predisposing syndrome. Last evaluated: 2018-04-26. Review status: criteria provided, single submitter. Criteria: Ambry Variant Classification Scheme 2023. Collection method: clinical testing. Allele origin: germline. Not counted in ClinVar's aggregate classification.

GeneDx
Classification: Benign. Last evaluated: 2015-06-11. Review status: criteria provided, single submitter. Criteria: GeneDx Variant Classification Process June 2021. Collection method: clinical testing. Allele origin: germline. Affected: yes. Not counted in ClinVar's aggregate classification.